The following is an entry in ClinVar:

ClinVar aggregate classification (germline): Pathogenic (1 of 4 stars; one submission).

Conditions:
Spondylodysplastic Ehlers-Danlos syndrome. Identifiers: Orphanet 536471, Orphanet 75496, MedGen C5680154, MONDO:0007526.

Submission:

Labcorp Genetics (formerly Invitae), Labcorp
Classification: Pathogenic for Spondylodysplastic Ehlers-Danlos syndrome. Last evaluated: 2025-09-04. Review status: criteria provided, single submitter. Criteria: Invitae Variant Classification Sherloc (09022015). Collection method: clinical testing. Allele origin: germline.
Comment: This sequence change creates a premature translational stop signal (p.Leu34Aspfs*87) in the B4GALT7 gene. It is expected to result in an absent or disrupted protein product. Loss-of-function variants in B4GALT7 are known to be pathogenic (PMID: 26940150, 31614862, 38431799). This variant is not present in population databases (gnomAD no frequency). This variant has not been reported in the literature in individuals affected with B4GALT7-related conditions. For these reasons, this variant has been classified as Pathogenic.

Literature cited by the submitters: PubMed 26940150; PubMed 31614862; PubMed 38431799.

NM_007255.3(B4GALT7):c.99_100insGA (p.Leu34fs)

Gene: B4GALT7 (beta-1,4-galactosyltransferase 7; plus strand). Cytogenetic location: 5q35.3.
Variant type: Insertion.
Coding change: c.99_100insGA on transcript NM_007255.3 (MANE Select); coding-DNA positions 99 to 100, GA inserted.
Protein change: p.Leu34fs; shifts the reading frame from leucine 34.
Molecular consequence: frameshift variant.
Genome position: GRCh38 VCF-style: chr5-177604227-C-CGA. GRCh37 (hg19) VCF-style: chr5-177031228-C-CGA.
Other names: short protein forms L34fs.
Identifiers: ClinVar variation 4799475 (VCV004799475.1).
Genomic context (GRCh38, chr5:177,604,227, plus strand): 5'-CGCTTGCTCCAGGTCCGGGTTGCTCTCCGGCGGCCTCCCTCGGAAGTGTTCCGTCTTCCA[C>CGA]CTGTTCGTGGCCTGCCTCTCGCTGGGCTTCTTCTCCCTACTCTGGCTGCAGCTCAGCTGC-3'